The following is an entry in ClinVar:

NM_001943.5(DSG2):c.1973A>C (p.Asn658Thr)

Gene: DSG2 (desmoglein 2; plus strand). Cytogenetic location: 18q12.1.
Variant type: single nucleotide variant.
Coding change: c.1973A>C on transcript NM_001943.5 (MANE Select); coding-DNA position 1973, A replaced by C.
Protein change: p.Asn658Thr; replaces asparagine 658 with threonine.
Molecular consequence: missense variant.
Genome position (GRCh38, 1-based): chr18:31,541,286, A>C. VCF-style: chr18-31541286-A-C. GRCh37 (hg19) VCF-style: chr18-29121249-A-C.
Other names: short protein forms N658T.
Identifiers: ClinVar variation 1999139 (VCV001999139.4), dbSNP rs2510920015, ClinGen allele CA402139776.

ClinVar aggregate classification (germline): Uncertain significance (1 of 4 stars; one submission).

Conditions:
Arrhythmogenic right ventricular dysplasia 10. Also called: Arrhythmogenic Right Ventricular Dysplasia/Cardiomyopathy10; Arrhythmogenic right ventricular dysplasia/cardiomyopathy, type 10; ARRHYTHMOGENIC RIGHT VENTRICULAR DYSPLASIA, FAMILIAL, 10. Identifiers: MedGen C1857777, MONDO:0012434, OMIM 610193.

gnomAD v4.1: 2 of 1,614,134 alleles (0.00012%); highest among the groups gnomAD compares: Non-Finnish European, 0.00017%; no homozygotes.

Submission:

Labcorp Genetics (formerly Invitae), Labcorp
Classification: Uncertain significance for Arrhythmogenic right ventricular dysplasia 10. Last evaluated: 2025-01-22. Review status: criteria provided, single submitter. Criteria: Invitae Variant Classification Sherloc (09022015). Collection method: clinical testing. Allele origin: germline.
Comment: This sequence change replaces asparagine, which is neutral and polar, with threonine, which is neutral and polar, at codon 658 of the DSG2 protein (p.Asn658Thr). This variant is not present in population databases (gnomAD no frequency). This variant has not been reported in the literature in individuals affected with DSG2-related conditions. ClinVar contains an entry for this variant (Variation ID: 1999139). Invitae Evidence Modeling of protein sequence and biophysical properties (such as structural, functional, and spatial information, amino acid conservation, physicochemical variation, residue mobility, and thermodynamic stability) has been performed for this missense variant. However, the output from this modeling did not meet the statistical confidence thresholds required to predict the impact of this variant on DSG2 protein function. In summary, the available evidence is currently insufficient to determine the role of this variant in disease. Therefore, it has been classified as a Variant of Uncertain Significance.